The following is an entry in ClinVar:

ClinVar aggregate classification (germline): Likely pathogenic (1 of 4 stars; one submission).

Conditions:
Primary ciliary dyskinesia. Also called: Ciliary dyskinesia. Identifiers: Orphanet 244, MedGen C0008780, MONDO:0016575, HP:0012265.

Submission:

Labcorp Genetics (formerly Invitae), Labcorp
Classification: Likely pathogenic for Primary ciliary dyskinesia. Last evaluated: 2020-02-11. Review status: criteria provided, single submitter. Criteria: Invitae Variant Classification Sherloc (09022015). Collection method: clinical testing. Allele origin: germline.
Comment: This sequence change affects a donor splice site in intron 65 of the DNAH5 gene. It is expected to disrupt RNA splicing and likely results in an absent or disrupted protein product. In summary, donor and acceptor splice site variants are typically loss-of-function (PMID: 16199547), and loss-of-function variants in DNAH5 are known to be pathogenic (PMID: 16627867, 11788826). However, without additional functional and/or genetic data, this variant has been classified as Likely Pathogenic. This variant has not been reported in the literature in individuals with a DNAH5-related disease.

Literature cited by the submitters: PubMed 16199547; PubMed 16627867; PubMed 11788826.

NM_001369.3(DNAH5):c.11211+1G>A

Gene: DNAH5 (dynein axonemal heavy chain 5; minus strand). Cytogenetic location: 5p15.2.
Variant type: single nucleotide variant.
Coding change: c.11211+1G>A on transcript NM_001369.3 (MANE Select); the canonical splice donor site of the intron after coding-DNA position 11211, G replaced by A.
Molecular consequence: splice donor variant.
Genome position (GRCh38, 1-based): chr5:13,751,077, C>T on the plus strand (G>A on the coding strand, the complement: DNAH5 is on the minus strand). VCF-style: chr5-13751077-C-T. GRCh37 (hg19) VCF-style: chr5-13751186-C-T.
Identifiers: ClinVar variation 454730 (VCV000454730.7), dbSNP rs1554033855, ClinGen allele CA359188799.